The following is an entry in ClinVar:

ClinVar aggregate classification (germline): Likely benign. Review status: criteria provided, multiple submitters, no conflicts (2 of 4 stars). 4 submissions from 4 submitters: Likely benign (4). Last evaluated 2025-04-05.

Conditions:
Cardiovascular phenotype. Identifiers: MedGen CN230736.
Hypertrophic cardiomyopathy. Also called: HYPERTROPHIC MYOCARDIOPATHY. Identifiers: Orphanet 217569, MedGen C0007194, MeSH D002312, MONDO:0005045, HP:0001639.
Cardiomyopathy (CMYO). Also called: Cardiomyopathies. Identifiers: Orphanet 167848, MedGen C0878544, MONDO:0004994, HP:0001638. Inheritance: Various modes of inheritance.

Allele frequency attached by ClinVar (database versions not stated): gnomAD exomes below 0.00001; TOPMed 0.00002.
gnomAD v4.1: 2 of 1,603,064 alleles (0.00012%); highest among the groups gnomAD compares: South Asian, 0.0011%; no homozygotes.

Submissions (4):

Ambry Genetics
Classification: Likely benign for Cardiovascular phenotype. Last evaluated: 2025-04-05. Review status: criteria provided, single submitter. Criteria: Ambry Variant Classification Scheme 2023. Collection method: clinical testing. Allele origin: germline.

Labcorp Genetics (formerly Invitae), Labcorp
Classification: Likely benign for Hypertrophic cardiomyopathy. Last evaluated: 2024-09-17. Review status: criteria provided, single submitter. Criteria: Invitae Variant Classification Sherloc (09022015). Collection method: clinical testing. Allele origin: germline.

All of Us Research Program, National Institutes of Health
Classification: Likely benign for Cardiomyopathy. Last evaluated: 2023-05-16. Review status: criteria provided, single submitter. Criteria: ACMG Guidelines, 2015. Collection method: clinical testing. Allele origin: germline. Inheritance: Autosomal dominant inheritance. Observed: 1 variant allele, 1 heterozygote.
Comment: This study involves interpretation of variants in research participants for the purpose of population health screening. Participant phenotype was not available at the time of variant classification. Additional details can be found in publication PMID: 35346344, PMCID: PMC8962531

Color Diagnostics, LLC DBA Color Health
Classification: Likely benign for Cardiomyopathy. Last evaluated: 2018-12-10. Review status: criteria provided, single submitter. Criteria: ACMG Guidelines, 2015. Collection method: clinical testing. Allele origin: germline.

NM_000257.4(MYH7):c.3471G>A (p.Thr1157=)

Gene: MYH7 (myosin heavy chain 7; minus strand). Cytogenetic location: 14q11.2.
Variant type: single nucleotide variant.
Coding change: c.3471G>A on transcript NM_000257.4 (MANE Select); coding-DNA position 3471, G replaced by A.
Protein change: p.Thr1157=; no amino-acid change (threonine 1157 retained).
Molecular consequence: synonymous variant.
Genome position (GRCh38, 1-based): chr14:23,420,100, C>T on the plus strand (G>A on the coding strand, the complement: MYH7 is on the minus strand). VCF-style: chr14-23420100-C-T. GRCh37 (hg19) VCF-style: chr14-23889309-C-T.
Other names: c.3471G>A, p.Thr1157= (NM_001407004.1).
Identifiers: ClinVar variation 3071171 (VCV003071171.5), dbSNP rs1330127925, ClinGen allele CA485621216.